The following is an entry in ClinVar:

ClinVar aggregate classification (germline): Uncertain significance (1 of 4 stars; one submission).

Submission:

Labcorp Genetics (formerly Invitae), Labcorp
Classification: Uncertain significance. Last evaluated: 2024-02-29. Review status: criteria provided, single submitter. Criteria: Invitae Variant Classification Sherloc (09022015). Collection method: clinical testing. Allele origin: germline.
Comment: This sequence change replaces valine, which is neutral and non-polar, with leucine, which is neutral and non-polar, at codon 826 of the MAGI2 protein (p.Val826Leu). This variant is not present in population databases (gnomAD no frequency). This variant has not been reported in the literature in individuals affected with MAGI2-related conditions. ClinVar contains an entry for this variant (Variation ID: 1973957). An algorithm developed to predict the effect of missense changes on protein structure and function (PolyPhen-2) suggests that this variant is likely to be tolerated. In summary, the available evidence is currently insufficient to determine the role of this variant in disease. Therefore, it has been classified as a Variant of Uncertain Significance.

NM_012301.4(MAGI2):c.2476G>C (p.Val826Leu)

Gene: MAGI2 (membrane associated guanylate kinase, WW and PDZ domain containing 2; minus strand). Cytogenetic location: 7q21.11.
Variant type: single nucleotide variant.
Coding change: c.2476G>C on transcript NM_012301.4 (MANE Select); coding-DNA position 2476, G replaced by C.
Protein change: p.Val826Leu; replaces valine 826 with leucine.
Molecular consequence: missense variant.
Genome position (GRCh38, 1-based): chr7:78,168,036, C>G on the plus strand (G>C on the coding strand, the complement: MAGI2 is on the minus strand). VCF-style: chr7-78168036-C-G. GRCh37 (hg19) VCF-style: chr7-77797353-C-G.
Other names: c.2434G>C, p.Val812Leu (NM_001301128.2); short protein forms V826L, V812L.
Identifiers: ClinVar variation 1973957 (VCV001973957.5), dbSNP rs2485790831, ClinGen allele CA367852084.